The following is an entry in ClinVar:

NM_024675.4(PALB2):c.2972T>G (p.Val991Gly)

Gene: PALB2 (partner and localizer of BRCA2; minus strand). Cytogenetic location: 16p12.2.
Variant type: single nucleotide variant.
Coding change: c.2972T>G on transcript NM_024675.4 (MANE Select); coding-DNA position 2972, T replaced by G.
Protein change: p.Val991Gly; replaces valine 991 with glycine.
Molecular consequence: missense variant.
Genome position (GRCh38, 1-based): chr16:23,622,993, A>C on the plus strand (T>G on the coding strand, the complement: PALB2 is on the minus strand). VCF-style: chr16-23622993-A-C. GRCh37 (hg19) VCF-style: chr16-23634314-A-C.
Other names: short protein forms V991G.
Identifiers: ClinVar variation 423073 (VCV000423073.4), dbSNP rs1064796208, ClinGen allele CA16620120.

ClinVar aggregate classification (germline): Uncertain significance. Review status: criteria provided, multiple submitters, no conflicts (2 of 4 stars). 2 submissions from 2 submitters: Uncertain significance (2). Last evaluated 2021-04-30.

Conditions:
Hereditary cancer-predisposing syndrome. Also called: Hereditary neoplastic syndrome; Neoplastic Syndromes, Hereditary; Tumor predisposition; Hereditary Cancer Syndrome. Identifiers: Orphanet 140162, MedGen C0027672, MeSH D009386, MONDO:0015356.

Submissions (2):

Ambry Genetics
Classification: Uncertain significance for Hereditary cancer-predisposing syndrome. Last evaluated: 2021-04-30. Review status: criteria provided, single submitter. Criteria: Ambry Variant Classification Scheme 2023. Collection method: clinical testing. Allele origin: germline.
Comment: The p.V991G variant (also known as c.2972T>G), located in coding exon 9 of the PALB2 gene, results from a T to G substitution at nucleotide position 2972. The valine at codon 991 is replaced by glycine, an amino acid with dissimilar properties. This amino acid position is poorly conserved in available vertebrate species. In addition, this alteration is predicted to be tolerated by in silico analysis. Since supporting evidence is limited at this time, the clinical significance of this alteration remains unclear.

GeneDx
Classification: Uncertain significance. Last evaluated: 2017-01-12. Review status: criteria provided, single submitter. Criteria: GeneDx Variant Classification (06012015). Collection method: clinical testing. Allele origin: germline. Affected: yes.
Comment: This variant is denoted PALB2 c.2972T>G at the cDNA level, p.Val991Gly (V991G) at the protein level, and results in the change of a Valine to a Glycine (GTC>GGC). This variant has not, to our knowledge, been published in the literature as pathogenic or benign. PALB2 Val991Gly was not observed in approximately 6,500 individuals of European and African American ancestry in the NHLBI Exome Sequencing Project, suggesting it is not a common benign variant in these populations. Since Valine and Glycine share similar properties, this is considered a conservative amino acid substitution. PALB2 Val991Gly occurs at a position where amino acids with properties similar to Valine are tolerated across species and is located within the region required for POLH DNA synthesis stimulation and interaction with RAD51, BRCA2 and POLH, as well as in the WD3 repeat (UniProt). In silico analyses predict that this variant is probably damaging to protein structure and function. Based on currently available evidence, it is unclear whether PALB2 Val991Gly is a pathogenic or benign variant. We consider it to be a variant of uncertain significance.